The following is an entry in ClinVar:

NM_004415.4(DSP):c.6136G>A (p.Val2046Ile)

Gene: DSP (desmoplakin; plus strand). Cytogenetic location: 6p24.3.
Variant type: single nucleotide variant.
Coding change: c.6136G>A on transcript NM_004415.4 (MANE Select); coding-DNA position 6136, G replaced by A.
Protein change: p.Val2046Ile; replaces valine 2046 with isoleucine.
Molecular consequence: missense variant.
Genome position (GRCh38, 1-based): chr6:7,583,398, G>A. VCF-style: chr6-7583398-G-A. GRCh37 (hg19) VCF-style: chr6-7583631-G-A.
Other names: c.4339G>A, p.Val1447Ile (NM_001008844.3); c.4807G>A, p.Val1603Ile (NM_001319034.2); short protein forms V1447I, V1603I, V2046I.
Identifiers: ClinVar variation 3757616 (VCV003757616.3).

ClinVar aggregate classification (germline): Conflicting classifications of pathogenicity. Review status: criteria provided, conflicting classifications (1 of 4 stars). 2 submissions from 2 submitters: Uncertain significance (1); Likely benign (1). Last evaluated 2026-05-15.

Conditions:
Cardiovascular phenotype. Identifiers: MedGen CN230736.
Arrhythmogenic cardiomyopathy with wooly hair and keratoderma. Also called: Dilated cardiomyopathy with woolly hair and keratoderma; PALMOPLANTAR KERATODERMA WITH LEFT VENTRICULAR CARDIOMYOPATHY AND WOOLLY HAIR; Carvajal syndrome; Arrhythmogenic cardiomyopathy with woolly hair and keratoderma. Identifiers: Orphanet 65282, MedGen C1854063, MONDO:0011581, OMIM 605676.
Arrhythmogenic right ventricular dysplasia 8 (ARVD8). Also called: Arrhythmogenic Right Ventricular Dysplasia/Cardiomyopathy 8; ARRHYTHMOGENIC RIGHT VENTRICULAR DYSPLASIA, FAMILIAL, 8; ARRHYTHMOGENIC RIGHT VENTRICULAR CARDIOMYOPATHY 8. Identifiers: MedGen C1843896, MONDO:0011831, OMIM 607450.

Submissions (2):

Ambry Genetics
Classification: Likely benign for Cardiovascular phenotype. Last evaluated: 2026-05-15. Review status: criteria provided, single submitter. Criteria: Ambry Variant Classification Scheme 2023. Collection method: clinical testing. Allele origin: germline.

Labcorp Genetics (formerly Invitae), Labcorp
Classification: Uncertain significance for Arrhythmogenic cardiomyopathy with wooly hair and keratoderma; Arrhythmogenic right ventricular dysplasia 8. Last evaluated: 2024-08-11. Review status: criteria provided, single submitter. Criteria: Invitae Variant Classification Sherloc (09022015). Collection method: clinical testing. Allele origin: germline.
Comment: This sequence change replaces valine, which is neutral and non-polar, with isoleucine, which is neutral and non-polar, at codon 2046 of the DSP protein (p.Val2046Ile). This variant is not present in population databases (gnomAD no frequency). This variant has not been reported in the literature in individuals affected with DSP-related conditions. An algorithm developed to predict the effect of missense changes on protein structure and function (PolyPhen-2) suggests that this variant is likely to be tolerated. In summary, the available evidence is currently insufficient to determine the role of this variant in disease. Therefore, it has been classified as a Variant of Uncertain Significance.